The following is an entry in ClinVar:

NC_000017.10:g.(?_59878608)_(59878841_?)del

Gene: BRIP1 (BRCA1 interacting DNA helicase 1; minus strand). Cytogenetic location: 17q23.2.
Variant type: Deletion.
Identifiers: ClinVar variation 3242971 (VCV003242971.1).

ClinVar aggregate classification (germline): Likely pathogenic (1 of 4 stars; one submission).

Conditions:
Familial cancer of breast. Also called: BREAST CANCER, FAMILIAL; hereditary breast carcinoma; Hereditary breast cancer. Identifiers: Orphanet 227535, MedGen C0346153, MONDO:0016419, OMIM 114480. Disease mechanism: loss of function.
Fanconi anemia complementation group J. Also called: BRIP1-Related Fanconi Anemia. Identifiers: Orphanet 84, MedGen C1836860, MONDO:0012187, OMIM 609054.

Submission:

Labcorp Genetics (formerly Invitae), Labcorp
Classification: Likely pathogenic for Familial cancer of breast; Fanconi anemia complementation group J. Last evaluated: 2016-06-10. Review status: criteria provided, single submitter. Criteria: Invitae Variant Classification Sherloc (09022015). Collection method: clinical testing. Allele origin: unknown.
Comment: This gross deletion results in the loss of amino acids 307-374. This removes nearly all of the iron-sulfur (Fe-S) cluster binding domain of BRIP1, including two of the four conserved cysteine residues within that domain (PMID: 16973432). Also, this deletion removes the Ala349 amino acid, which has been shown to be mutated in a patient with Fanconi anemia (PMID: 16116424), and is predicted to abolish BRIP1 helicase activity (PMID: 16973432). These results indicate that this exon encodes a necessary part of the BRIP1 gene product. This sequence change is a gross deletion of the genomic region including exon 8 of the BRIP1 gene. This deletion removes a portion of intron 7 and extends through the first 203 nucleotides of exon 8 (c.918+2790_1121del). Since this deletion removes the exon 8 splice acceptor site and the majority of exon 8, the exact effect of this variant on the BRIP1 protein cannot be determined. It is possible that an in-frame deletion may be generated that encompasses the entire exon 8 due to exon skipping . Alternatively, since the 3' breakpoint of the deletion lies within codon 374 of the BRIP1 protein, a frameshift could be generated, thus creating a premature translational stop signal which would be expected to result in an absent or disrupted protein product. In the absence of knowing the exact effect of this variant on the BRIP1 protein, this variant has been classified as Likely Pathogenic.

Literature cited by the submitters: PubMed 16973432; PubMed 16116424.